The following is an entry in ClinVar:

ClinVar aggregate classification (germline): Likely benign. Review status: criteria provided, multiple submitters, no conflicts (2 of 4 stars). 4 submissions from 4 submitters: Likely benign (4). Last evaluated 2024-04-03.

Conditions:
Early-infantile DEE. Also called: Early infantile epileptic encephalopathy; Ohtahara syndrome; Early infantile epileptic encephalopathy with suppression bursts. Identifiers: Orphanet 1934, MedGen C0393706, MONDO:0800491.

Allele frequency attached by ClinVar (database versions not stated): gnomAD 0.00001; TOPMed 0.00001.
gnomAD v4.1: 12 of 1,536,222 alleles (0.00078%); highest among the groups gnomAD compares: African/African-American, 0.0014%; no homozygotes.

Submissions (4):

Blueprint Genetics
Classification: Likely benign. Last evaluated: 2024-04-03. Review status: criteria provided, single submitter. Criteria: ACMG Guidelines, 2015. Collection method: clinical testing. Allele origin: germline.

CeGaT Center for Human Genetics Tuebingen
Classification: Likely benign. Last evaluated: 2023-07-01. Review status: criteria provided, single submitter. Criteria: CeGaT Center For Human Genetics Tuebingen Variant Classification Criteria Version 2. Collection method: clinical testing. Allele origin: germline. Affected: yes. Observed: 1 variant allele.
Comment: KCNQ2: BP4, BP7

Labcorp Genetics (formerly Invitae), Labcorp
Classification: Likely benign for Early-infantile DEE. Last evaluated: 2021-06-23. Review status: criteria provided, single submitter. Criteria: Invitae Variant Classification Sherloc (09022015). Collection method: clinical testing. Allele origin: germline.

GeneDx
Classification: Likely benign. Last evaluated: 2016-01-15. Review status: criteria provided, single submitter. Criteria: GeneDx Variant Classification (06012015). Collection method: clinical testing. Allele origin: germline. Affected: yes.
Comment: This variant is considered likely benign or benign based on one or more of the following criteria: it is a conservative change, it occurs at a poorly conserved position in the protein, it is predicted to be benign by multiple in silico algorithms, and/or has population frequency not consistent with disease.

NM_172107.4(KCNQ2):c.78G>A (p.Gly26=)

Gene: KCNQ2 (potassium voltage-gated channel subfamily Q member 2; minus strand). Cytogenetic location: 20q13.33.
Variant type: single nucleotide variant.
Coding change: c.78G>A on transcript NM_172107.4 (MANE Select); coding-DNA position 78, G replaced by A.
Protein change: p.Gly26=; no amino-acid change (glycine 26 retained).
Molecular consequence: synonymous variant.
Genome position (GRCh38, 1-based): chr20:63,472,386, C>T on the plus strand (G>A on the coding strand, the complement: KCNQ2 is on the minus strand). VCF-style: chr20-63472386-C-T. GRCh37 (hg19) VCF-style: chr20-62103739-C-T.
Other names: c.78G>A, p.Gly26= (NM_004518.6, NM_172106.3, NM_172108.5 and 1 more transcripts).
Identifiers: ClinVar variation 382868 (VCV000382868.34), dbSNP rs772452810, ClinGen allele CA16609053.